The following is an entry in ClinVar:

ClinVar aggregate classification (germline): Uncertain significance (1 of 4 stars; one submission).

Allele frequency attached by ClinVar (database versions not stated): gnomAD exomes 0.00001.
gnomAD v4.1: 4 of 1,613,948 alleles (0.00025%); highest among the groups gnomAD compares: Non-Finnish European, 0.00034%; no homozygotes.

Submission:

CeGaT Center for Human Genetics Tuebingen
Classification: Uncertain significance. Last evaluated: 2022-05-01. Review status: criteria provided, single submitter. Criteria: CeGaT Center For Human Genetics Tuebingen Variant Classification Criteria Version 2. Collection method: clinical testing. Allele origin: germline. Affected: yes. Observed: 1 variant allele.
Comment: TRPV3: PM2

NM_145068.4(TRPV3):c.199C>T (p.Pro67Ser)

Gene: TRPV3 (transient receptor potential cation channel subfamily V member 3; minus strand). Cytogenetic location: 17p13.2.
Variant type: single nucleotide variant.
Coding change: c.199C>T on transcript NM_145068.4 (MANE Select); coding-DNA position 199, C replaced by T.
Protein change: p.Pro67Ser; replaces proline 67 with serine.
Molecular consequence: missense variant.
Genome position (GRCh38, 1-based): chr17:3,545,192, G>A on the plus strand (C>T on the coding strand, the complement: TRPV3 is on the minus strand). VCF-style: chr17-3545192-G-A. GRCh37 (hg19) VCF-style: chr17-3448486-G-A.
Other names: c.199C>T, p.Pro67Ser (NM_001258205.2); short protein forms P67S.
Identifiers: ClinVar variation 2647234 (VCV002647234.24), dbSNP rs1380626483, ClinGen allele CA397689788.